The following is an entry in ClinVar:

NM_000444.6(PHEX):c.620_623del (p.Tyr207fs)

Gene: PHEX (phosphate regulating endopeptidase X-linked; plus strand). Cytogenetic location: Xp22.11.
Variant type: Deletion.
Coding change: c.620_623del on transcript NM_000444.6 (MANE Select); coding-DNA positions 620 to 623, 4 bases deleted (ATGT; older notation c.620_623delATGT).
Protein change: p.Tyr207fs; shifts the reading frame from tyrosine 207.
Molecular consequence: frameshift variant.
Genome position (GRCh38, 1-based): chrX:22,077,659-22,077,662, ATGT deleted; deleting any 4 consecutive bases within chrX:22,077,656-22,077,662 gives the same sequence; the c. name uses the placement nearest the transcript's 3' end. VCF-style (leftmost placement, unchanged base first): chrX-22077655-TTGTA-T. GRCh37 (hg19) VCF-style: chrX-22095773-TTGTA-T.
Other names: c.620_623del, p.Tyr207fs (NM_001282754.2); short protein forms Y207fs.
Identifiers: ClinVar variation 951423 (VCV000951423.9), dbSNP rs1929215753, ClinGen allele CA1139667284.

ClinVar aggregate classification (germline): Pathogenic (1 of 4 stars; one submission).

Submission:

Labcorp Genetics (formerly Invitae), Labcorp
Classification: Pathogenic. Last evaluated: 2019-10-29. Review status: criteria provided, single submitter. Criteria: Invitae Variant Classification Sherloc (09022015). Collection method: clinical testing. Allele origin: germline.
Comment: This sequence change creates a premature translational stop signal (p.Tyr207Cysfs*13) in the PHEX gene. It is expected to result in an absent or disrupted protein product. This variant is not present in population databases (ExAC no frequency). Loss-of-function variants in PHEX are known to be pathogenic (PMID: 9097956, 9106524, 19219621). For these reasons, this variant has been classified as Pathogenic.

Literature cited by the submitters: PubMed 9097956; PubMed 9106524; PubMed 19219621.